The following is an entry in ClinVar:

NM_020884.7(MYH7B):c.4838G>A (p.Arg1613Gln)

Gene: MYH7B (myosin heavy chain 7B; plus strand). Cytogenetic location: 20q11.22.
Variant type: single nucleotide variant.
Coding change: c.4838G>A on transcript NM_020884.7 (MANE Select); coding-DNA position 4838, G replaced by A.
Protein change: p.Arg1613Gln; replaces arginine 1613 with glutamine.
Molecular consequence: missense variant.
Genome position (GRCh38, 1-based): chr20:35,000,349, G>A. VCF-style: chr20-35000349-G-A. GRCh37 (hg19) VCF-style: chr20-33588152-G-A.
Other names: short protein forms R1613Q.
Identifiers: ClinVar variation 2058385 (VCV002058385.4), dbSNP rs766193444, ClinGen allele CA9828350.

ClinVar aggregate classification (germline): Uncertain significance (1 of 4 stars; one submission).

Allele frequency attached by ClinVar (database versions not stated): gnomAD 0.00001; gnomAD exomes 0.00001; TOPMed 0.00002; ExAC 0.00003.
gnomAD v4.1: 11 of 1,597,766 alleles (0.00069%); highest among the groups gnomAD compares: African/African-American, 0.004%; no homozygotes.

Submission:

Labcorp Genetics (formerly Invitae), Labcorp
Classification: Uncertain significance. Last evaluated: 2025-07-09. Review status: criteria provided, single submitter. Criteria: Invitae Variant Classification Sherloc (09022015). Collection method: clinical testing. Allele origin: germline.
Comment: This sequence change replaces arginine, which is basic and polar, with glutamine, which is neutral and polar, at codon 1655 of the MYH7B protein (p.Arg1655Gln). This variant is present in population databases (rs766193444, gnomAD 0.01%). This variant has not been reported in the literature in individuals affected with MYH7B-related conditions. ClinVar contains an entry for this variant (Variation ID: 2058385). Invitae Evidence Modeling of protein sequence and biophysical properties (such as structural, functional, and spatial information, amino acid conservation, physicochemical variation, residue mobility, and thermodynamic stability) indicates that this missense variant is not expected to disrupt MYH7B protein function with a negative predictive value of 80%. In summary, the available evidence is currently insufficient to determine the role of this variant in disease. Therefore, it has been classified as a Variant of Uncertain Significance.